The following is an entry in ClinVar:

ClinVar aggregate classification (germline): Uncertain significance (1 of 4 stars; one submission).

Conditions:
Hereditary cancer-predisposing syndrome. Also called: Neoplastic Syndromes, Hereditary; Tumor predisposition; Hereditary neoplastic syndrome; Hereditary Cancer Syndrome. Identifiers: Orphanet 140162, MedGen C0027672, MeSH D009386, MONDO:0015356.

Submission:

Ambry Genetics
Classification: Uncertain significance for Hereditary cancer-predisposing syndrome. Last evaluated: 2023-02-15. Review status: criteria provided, single submitter. Criteria: Ambry Variant Classification Scheme 2023. Collection method: clinical testing. Allele origin: germline.
Comment: The p.A503S variant (also known as c.1507G>T), located in coding exon 9 of the PDGFRA gene, results from a G to T substitution at nucleotide position 1507. The alanine at codon 503 is replaced by serine, an amino acid with similar properties. This amino acid position is conserved. In addition, the in silico prediction for this alteration is inconclusive. Since supporting evidence is limited at this time, the clinical significance of this alteration remains unclear.

NM_006206.6(PDGFRA):c.1507G>T (p.Ala503Ser)

Gene: PDGFRA (platelet derived growth factor receptor alpha; plus strand). Cytogenetic location: 4q12.
Variant type: single nucleotide variant.
Coding change: c.1507G>T on transcript NM_006206.6 (MANE Select); coding-DNA position 1507, G replaced by T.
Protein change: p.Ala503Ser; replaces alanine 503 with serine.
Molecular consequence: missense variant.
Genome position (GRCh38, 1-based): chr4:54,273,679, G>T. VCF-style: chr4-54273679-G-T. GRCh37 (hg19) VCF-style: chr4-55139846-G-T.
Other names: c.1507G>T, p.Ala503Ser (NM_001347827.2, NM_001347829.2); c.1582G>T, p.Ala528Ser (NM_001347828.2); c.1546G>T, p.Ala516Ser (NM_001347830.2); short protein forms A503S, A516S, A528S.
Identifiers: ClinVar variation 3225263 (VCV003225263.1), dbSNP rs1560479104, ClinGen allele CA356892707.